The following is an entry in ClinVar:

NM_006734.4(HIVEP2):c.1725T>A (p.Asp575Glu)

Gene: HIVEP2 (HIVEP zinc finger 2; minus strand). Cytogenetic location: 6q24.2.
Variant type: single nucleotide variant.
Coding change: c.1725T>A on transcript NM_006734.4 (MANE Select); coding-DNA position 1725, T replaced by A.
Protein change: p.Asp575Glu; replaces aspartic acid 575 with glutamic acid.
Molecular consequence: missense variant.
Genome position (GRCh38, 1-based): chr6:142,773,014, A>T on the plus strand (T>A on the coding strand, the complement: HIVEP2 is on the minus strand). VCF-style: chr6-142773014-A-T. GRCh37 (hg19) VCF-style: chr6-143094151-A-T.
Other names: c.1725T>A, p.Asp575Glu (NM_001438449.1, NM_001438450.1, NM_001438451.1); short protein forms D575E.
Identifiers: ClinVar variation 4772653 (VCV004772653.1).
Genomic context (GRCh38, chr6:142,773,014, plus strand): 5'-TGCCGCTTGTCTTCTTAGCATGCGCTGAGGGGGTATGCCCACGGTCCCTGGATAGAATAC[A>T]TCGTCGGAACCAGTCATCCTTTCATCAAATGAGTGACTTCCTCTCAAAGAAGGAGGAATA-3'
Protein context (NP_006725.3, residues 565-585): SFDERMTGSD[Asp575Glu]VFYPGTVGIP

ClinVar aggregate classification (germline): Uncertain significance (1 of 4 stars; one submission).

gnomAD v4.1: 13 of 1,614,066 alleles (0.00081%); highest among the groups gnomAD compares: Non-Finnish European, 0.0011%; no homozygotes.

Submission:

Labcorp Genetics (formerly Invitae), Labcorp
Classification: Uncertain significance. Last evaluated: 2025-11-03. Review status: criteria provided, single submitter. Criteria: Invitae Variant Classification Sherloc (09022015). Collection method: clinical testing. Allele origin: germline.
Comment: This sequence change replaces aspartic acid, which is acidic and polar, with glutamic acid, which is acidic and polar, at codon 575 of the HIVEP2 protein (p.Asp575Glu). This variant is present in population databases (no rsID available, gnomAD 0.007%). This variant has not been reported in the literature in individuals affected with HIVEP2-related conditions. Invitae Evidence Modeling of protein sequence and biophysical properties (such as structural, functional, and spatial information, amino acid conservation, physicochemical variation, residue mobility, and thermodynamic stability) has been performed for this missense variant. However, the output from this modeling did not meet the statistical confidence thresholds required to predict the impact of this variant on HIVEP2 protein function. In summary, the available evidence is currently insufficient to determine the role of this variant in disease. Therefore, it has been classified as a Variant of Uncertain Significance.